The following is an entry in ClinVar:

ClinVar aggregate classification (germline): Likely pathogenic. Review status: criteria provided, multiple submitters, no conflicts (2 of 4 stars). 3 submissions from 3 submitters: Likely pathogenic (3). Last evaluated 2025-07-30.

Conditions:
Intellectual developmental disorder with gastrointestinal difficulties and high pain threshold (JDVS). Also called: JANSEN-DE VRIES SYNDROME. Identifiers: Orphanet 653767, MedGen C4479517, MONDO:0044318, OMIM 617450.
PPM1D-related disorder. Also called: PPM1D-related condition.

Submissions (3):

3billion
Classification: Likely pathogenic for Intellectual developmental disorder with gastrointestinal difficulties and high pain threshold. Last evaluated: 2025-07-30. Review status: criteria provided, single submitter. Criteria: ACMG Guidelines, 2015. Collection method: clinical testing. Allele origin: germline. Affected: yes.
Comment: The variant is observed at an extremely low frequency in the gnomAD v4.1.0 dataset (total allele frequency: <0.001%). Predicted Consequence/Location: Frameshift: predicted to result in a loss or disruption of normal protein function through protein truncation. Multiple pathogenic variants are reported in the predicted truncated region. The variant has been reported to be associated with PPM1D-related disorder (ClinVar ID: VCV000871469). Therefore, this variant is classified as Likely pathogenic according to the recommendation of ACMG/AMP guideline.

CeGaT Center for Human Genetics Tuebingen
Classification: Likely pathogenic. Last evaluated: 2019-08-01. Review status: criteria provided, single submitter. Criteria: CeGaT Center For Human Genetics Tuebingen Variant Classification Criteria Version 2. Collection method: clinical testing. Allele origin: germline. Affected: yes. Observed: 3 variant alleles.

Blueprint Genetics
Classification: Likely pathogenic for PPM1D-related disorders. Last evaluated: 2018-03-27. Review status: criteria provided, single submitter. Criteria: ACMG Guidelines, 2015. Collection method: clinical testing. Allele origin: germline. Affected: yes. Observed: 1 variant allele.

NM_003620.4(PPM1D):c.1451dup (p.Leu484fs)

Gene: PPM1D (protein phosphatase, Mg2+/Mn2+ dependent 1D; plus strand). Cytogenetic location: 17q23.2.
Variant type: Duplication.
Coding change: c.1451dup on transcript NM_003620.4 (MANE Select); coding-DNA position 1451, one base duplicated (T; older notation c.1451dupT).
Protein change: p.Leu484fs; shifts the reading frame from leucine 484.
Molecular consequence: frameshift variant.
Genome position (GRCh38, 1-based): chr17:60,663,185, T duplicated; the last of 3 consecutive T bases (chr17:60,663,183-60,663,185); duplicating any one gives the same sequence. VCF-style (leftmost placement, unchanged base first): chr17-60663182-C-CT. GRCh37 (hg19) VCF-style: chr17-58740543-C-CT.
Other names: short protein forms L484fs.
Identifiers: ClinVar variation 871469 (VCV000871469.42), dbSNP rs773913732, ClinGen allele CA8687796.